The following is an entry in ClinVar:

NM_013275.6(ANKRD11):c.6013C>T (p.Pro2005Ser)

Gene: ANKRD11 (ankyrin repeat domain 11; minus strand). Cytogenetic location: 16q24.3.
Variant type: single nucleotide variant.
Coding change: c.6013C>T on transcript NM_013275.6 (MANE Select); coding-DNA position 6013, C replaced by T.
Protein change: p.Pro2005Ser; replaces proline 2005 with serine.
Molecular consequence: missense variant.
Genome position (GRCh38, 1-based): chr16:89,280,529, G>A on the plus strand (C>T on the coding strand, the complement: ANKRD11 is on the minus strand). VCF-style: chr16-89280529-G-A. GRCh37 (hg19) VCF-style: chr16-89346937-G-A.
Other names: c.6013C>T, p.Pro2005Ser (NM_001256182.2, NM_001256183.2); short protein forms P2005S.
Identifiers: ClinVar variation 1429591 (VCV001429591.6), dbSNP rs766783032, ClinGen allele CA8241637.

ClinVar aggregate classification (germline): Uncertain significance (1 of 4 stars; one submission).

Conditions:
KBG syndrome (KBGS). Also called: ANKRD11-Related KBG Syndrome. Identifiers: Orphanet 2332, MedGen C0220687, MONDO:0007846, OMIM 148050.

Submission:

Labcorp Genetics (formerly Invitae), Labcorp
Classification: Uncertain significance for KBG syndrome. Last evaluated: 2025-10-12. Review status: criteria provided, single submitter. Criteria: Invitae Variant Classification Sherloc (09022015). Collection method: clinical testing. Allele origin: germline.
Comment: This sequence change replaces proline, which is neutral and non-polar, with serine, which is neutral and polar, at codon 2005 of the ANKRD11 protein (p.Pro2005Ser). This variant is present in population databases (rs766783032, gnomAD 0.02%). This variant has not been reported in the literature in individuals affected with ANKRD11-related conditions. ClinVar contains an entry for this variant (Variation ID: 1429591). Invitae Evidence Modeling of protein sequence and biophysical properties (such as structural, functional, and spatial information, amino acid conservation, physicochemical variation, residue mobility, and thermodynamic stability) indicates that this missense variant is not expected to disrupt ANKRD11 protein function with a negative predictive value of 95%. In summary, the available evidence is currently insufficient to determine the role of this variant in disease. Therefore, it has been classified as a Variant of Uncertain Significance.